The following is an entry in ClinVar:

NM_000520.6(HEXA):c.268C>G (p.Leu90Val)

Gene: HEXA (hexosaminidase subunit alpha; minus strand). Cytogenetic location: 15q23.
Variant type: single nucleotide variant.
Coding change: c.268C>G on transcript NM_000520.6 (MANE Select); coding-DNA position 268, C replaced by G.
Protein change: p.Leu90Val; replaces leucine 90 with valine.
Molecular consequence: missense variant. On other transcripts: non-coding transcript variant (1).
Genome position (GRCh38, 1-based): chr15:72,356,603, G>C on the plus strand (C>G on the coding strand, the complement: HEXA is on the minus strand). VCF-style: chr15-72356603-G-C. GRCh37 (hg19) VCF-style: chr15-72648944-G-C.
Other names: c.301C>G, p.Leu101Val (NM_001318825.2); short protein forms L101V, L90V.
Identifiers: ClinVar variation 4621511 (VCV004621511.1).

ClinVar aggregate classification (germline): Uncertain significance (1 of 4 stars; one submission).

Conditions:
Inborn genetic diseases. Identifiers: MedGen C0950123, MeSH D030342.

gnomAD v4.1: 9 of 1,614,100 alleles (0.00056%); highest among the groups gnomAD compares: Non-Finnish European, 0.00068%; no homozygotes.

Submission:

Ambry Genetics
Classification: Uncertain significance for Inborn genetic diseases. Last evaluated: 2025-11-15. Review status: criteria provided, single submitter. Criteria: Ambry Variant Classification Scheme 2023. Collection method: clinical testing. Allele origin: germline.
Comment: The p.L90V variant (also known as c.268C>G), located in coding exon 2 of the HEXA gene, results from a C to G substitution at nucleotide position 268. The leucine at codon 90 is replaced by valine, an amino acid with highly similar properties. This amino acid position is conserved. In addition, this alteration is predicted to be tolerated by in silico analysis. Based on the available evidence, the clinical significance of this variant remains unclear.